The following is an entry in ClinVar:

ClinVar aggregate classification (germline): Uncertain significance (1 of 4 stars; one submission).

Submission:

Ambry Genetics
Classification: Uncertain significance. Last evaluated: 2024-06-24. Review status: criteria provided, single submitter. Criteria: Ambry Variant Classification Scheme 2023. Collection method: clinical testing. Allele origin: germline.
Comment: The p.N1958I variant (also known as c.5873A>T), located in coding exon 8 of the ALPK2 gene, results from an A to T substitution at nucleotide position 5873. The asparagine at codon 1958 is replaced by isoleucine, an amino acid with dissimilar properties. This amino acid position is conserved. In addition, this alteration is predicted to be tolerated by in silico analysis. Based on the available evidence, the clinical significance of this variant remains unclear.

NM_052947.4(ALPK2):c.5873A>T (p.Asn1958Ile)

Gene: ALPK2 (alpha kinase 2; minus strand). Cytogenetic location: 18q21.31.
Variant type: single nucleotide variant.
Coding change: c.5873A>T on transcript NM_052947.4 (MANE Select); coding-DNA position 5873, A replaced by T.
Protein change: p.Asn1958Ile; replaces asparagine 1958 with isoleucine.
Molecular consequence: missense variant.
Genome position (GRCh38, 1-based): chr18:58,516,975, T>A on the plus strand (A>T on the coding strand, the complement: ALPK2 is on the minus strand). VCF-style: chr18-58516975-T-A. GRCh37 (hg19) VCF-style: chr18-56184207-T-A.
Other names: short protein forms N1958I.
Identifiers: ClinVar variation 3290851 (VCV003290851.1).